The following is an entry in ClinVar:

ClinVar aggregate classification (germline): Uncertain significance (1 of 4 stars; one submission).

Conditions:
ALG12-congenital disorder of glycosylation (CDG1G). Also called: ALG12-CDG; Congenital disorder of glycosylation, type Ig; CDG Ig. Identifiers: Orphanet 79324, MedGen C2931001, MONDO:0011783, OMIM 607143.

Allele frequency attached by ClinVar (database versions not stated): gnomAD exomes below 0.00001; gnomAD 0.00001; TOPMed 0.00001.
gnomAD v4.1: 24 of 1,613,658 alleles (0.0015%); highest among the groups gnomAD compares: Non-Finnish European, 0.002%; no homozygotes.

Submission:

Labcorp Genetics (formerly Invitae), Labcorp
Classification: Uncertain significance for ALG12-congenital disorder of glycosylation. Last evaluated: 2022-08-23. Review status: criteria provided, single submitter. Criteria: Invitae Variant Classification Sherloc (09022015). Collection method: clinical testing. Allele origin: germline.
Comment: This sequence change replaces arginine, which is basic and polar, with glycine, which is neutral and non-polar, at codon 184 of the ALG12 protein (p.Arg184Gly). This variant is not present in population databases (gnomAD no frequency). This variant has not been reported in the literature in individuals affected with ALG12-related conditions. ClinVar contains an entry for this variant (Variation ID: 1401757). Algorithms developed to predict the effect of missense changes on protein structure and function are either unavailable or do not agree on the potential impact of this missense change (SIFT: "Deleterious"; PolyPhen-2: "Probably Damaging"; Align-GVGD: "Class C0"). In summary, the available evidence is currently insufficient to determine the role of this variant in disease. Therefore, it has been classified as a Variant of Uncertain Significance.

NM_024105.4(ALG12):c.550A>G (p.Arg184Gly)

Gene: ALG12 (ALG12 alpha-1,6-mannosyltransferase; minus strand). Cytogenetic location: 22q13.33.
Variant type: single nucleotide variant.
Coding change: c.550A>G on transcript NM_024105.4 (MANE Select); coding-DNA position 550, A replaced by G.
Protein change: p.Arg184Gly; replaces arginine 184 with glycine.
Molecular consequence: missense variant.
Genome position (GRCh38, 1-based): chr22:49,910,008, T>C on the plus strand (A>G on the coding strand, the complement: ALG12 is on the minus strand). VCF-style: chr22-49910008-T-C. GRCh37 (hg19) VCF-style: chr22-50303656-T-C.
Other names: short protein forms R184G.
Identifiers: ClinVar variation 1401757 (VCV001401757.6), dbSNP rs1569176254, ClinGen allele CA412075290.